The following is an entry in ClinVar:

NM_002949.4(MRPL12):c.371C>T (p.Ala124Val)

Gene: MRPL12 (mitochondrial ribosomal protein L12; plus strand). Cytogenetic location: 17q25.3.
Variant type: single nucleotide variant.
Coding change: c.371C>T on transcript NM_002949.4 (MANE Select); coding-DNA position 371, C replaced by T.
Protein change: p.Ala124Val; replaces alanine 124 with valine.
Molecular consequence: missense variant.
Genome position (GRCh38, 1-based): chr17:81,706,931, C>T. VCF-style: chr17-81706931-C-T. GRCh37 (hg19) VCF-style: chr17-79673961-C-T.
Other names: c.371C>T (NM_002949.3); short protein forms A124V.
Identifiers: ClinVar variation 2877827 (VCV002877827.4), dbSNP rs368964351, ClinGen allele CA8841367.

ClinVar aggregate classification (germline): Uncertain significance. Review status: criteria provided, multiple submitters, no conflicts (2 of 4 stars). 2 submissions from 2 submitters: Uncertain significance (2). Last evaluated 2025-12-02.

Allele frequency attached by ClinVar (database versions not stated): gnomAD 0.00001; TOPMed 0.00002; ExAC 0.00003; ESP Exome Variant Server 0.00008.
gnomAD v4.1: 18 of 1,613,842 alleles (0.0011%); highest among the groups gnomAD compares: Admixed American, 0.0033%; no homozygotes.

Submissions (2):

Ambry Genetics
Classification: Uncertain significance. Last evaluated: 2025-12-02. Review status: criteria provided, single submitter. Criteria: Ambry Variant Classification Scheme 2023. Collection method: clinical testing. Allele origin: germline.

Labcorp Genetics (formerly Invitae), Labcorp
Classification: Uncertain significance. Last evaluated: 2024-10-23. Review status: criteria provided, single submitter. Criteria: Invitae Variant Classification Sherloc (09022015). Collection method: clinical testing. Allele origin: germline.
Comment: This sequence change replaces alanine, which is neutral and non-polar, with valine, which is neutral and non-polar, at codon 124 of the MRPL12 protein (p.Ala124Val). This variant is present in population databases (rs368964351, gnomAD 0.006%). This variant has not been reported in the literature in individuals affected with MRPL12-related conditions. An algorithm developed to predict the effect of missense changes on protein structure and function (PolyPhen-2) suggests that this variant is likely to be tolerated. In summary, the available evidence is currently insufficient to determine the role of this variant in disease. Therefore, it has been classified as a Variant of Uncertain Significance.